The following is an entry in ClinVar:

ClinVar aggregate classification (germline): Likely benign. Review status: criteria provided, multiple submitters, no conflicts (2 of 4 stars). 2 submissions from 2 submitters: Likely benign (2). Last evaluated 2025-04-12.

Conditions:
Noonan syndrome (NS). Also called: Noonan's syndrome. Identifiers: Orphanet 648, MedGen C0028326, MeSH D009634, MONDO:0018997. Disease mechanism: gain of function.
RRAS-related disorder. Also called: RRAS-related condition.

Allele frequency attached by ClinVar (database versions not stated): TOPMed 0.00003; gnomAD exomes 0.00001; gnomAD 0.00002.
gnomAD v4.1: 16 of 1,612,698 alleles (0.00099%); highest among the groups gnomAD compares: Admixed American, 0.015%; no homozygotes.

Submissions (2):

PreventionGenetics, part of Exact Sciences
Classification: Likely benign for RRAS-related condition. Last evaluated: 2025-04-12. Review status: criteria provided, single submitter. Criteria: ACMG Guidelines, 2015. Collection method: clinical testing. Allele origin: germline.
Comment: This variant is classified as likely benign based on ACMG/AMP sequence variant interpretation guidelines (Richards et al. 2015 PMID: 25741868, with internal and published modifications).

Labcorp Genetics (formerly Invitae), Labcorp
Classification: Likely benign for Noonan syndrome. Last evaluated: 2022-08-20. Review status: criteria provided, single submitter. Criteria: Invitae Variant Classification Sherloc (09022015). Collection method: clinical testing. Allele origin: germline.

NM_006270.5(RRAS):c.242-8C>T

Gene: RRAS (RAS related; minus strand). Cytogenetic location: 19q13.33.
Variant type: single nucleotide variant.
Coding change: c.242-8C>T on transcript NM_006270.5 (MANE Select); 8 bases into the intron before coding-DNA position 242, C replaced by T.
Molecular consequence: intron variant.
Genome position (GRCh38, 1-based): chr19:49,636,934, G>A on the plus strand (C>T on the coding strand, the complement: RRAS is on the minus strand). VCF-style: chr19-49636934-G-A. GRCh37 (hg19) VCF-style: chr19-50140191-G-A.
Other names: c.242-8C>T (NM_006270.4).
Identifiers: ClinVar variation 1115816 (VCV001115816.10), dbSNP rs370459010, ClinGen allele CA9579091.